The following is an entry in ClinVar:

NM_017866.6(TMEM70):c.100G>C (p.Ala34Pro)

Gene: TMEM70 (transmembrane protein 70; plus strand). Cytogenetic location: 8q21.11.
Variant type: single nucleotide variant.
Coding change: c.100G>C on transcript NM_017866.6 (MANE Select); coding-DNA position 100, G replaced by C.
Protein change: p.Ala34Pro; replaces alanine 34 with proline.
Molecular consequence: missense variant. On other transcripts: non-coding transcript variant (1).
Genome position (GRCh38, 1-based): chr8:73,976,381, G>C. VCF-style: chr8-73976381-G-C. GRCh37 (hg19) VCF-style: chr8-74888616-G-C.
Other names: c.100G>C, p.Ala34Pro (NM_001040613.3); short protein forms A34P.
Identifiers: ClinVar variation 130598 (VCV000130598.27), dbSNP rs8075, ClinGen allele CA155735.

ClinVar aggregate classification (germline): Benign. Review status: criteria provided, multiple submitters, no conflicts (2 of 4 stars). 7 submissions from 7 submitters: Benign (5). 2 of the submissions do not count toward it. Last evaluated 2026-02-04.

Conditions:
Mitochondrial complex V (ATP synthase) deficiency, nuclear type 2. Also called: Nuclear-Encoded ATPase Deficiency, TMEM70-Related; ENCEPHALOCARDIOMYOPATHY, MITOCHONDRIAL, NEONATAL, DUE TO ATP SYNTHASE DEFICIENCY; MITOCHONDRIAL COMPLEX V (ATP SYNTHASE) DEFICIENCY, TMEM70 TYPE. Identifiers: Orphanet 1194, MedGen C3279699, MONDO:0013546, OMIM 614052.

Allele frequency attached by ClinVar (database versions not stated): ESP Exome Variant Server 0.17265; gnomAD 0.17369 and 0.17093; 1000 Genomes Project 0.17612; ExAC 0.17695; 1000 Genomes Project 30x 0.17895; TOPMed 0.18077.
gnomAD v4.1: 216,947 of 1,594,906 alleles (14%); highest among the groups gnomAD compares: African/African-American, 27%; 16,318 homozygotes.

Submissions (7):

Labcorp Genetics (formerly Invitae), Labcorp
Classification: Benign for Mitochondrial complex V (ATP synthase) deficiency, nuclear type 2. Last evaluated: 2026-02-04. Review status: criteria provided, single submitter. Criteria: Invitae Variant Classification Sherloc (09022015). Collection method: clinical testing. Allele origin: germline.

Illumina Laboratory Services, Illumina
Classification: Benign for Mitochondrial complex V (ATP synthase) deficiency, nuclear type 2. Last evaluated: 2018-01-12. Review status: criteria provided, single submitter. Criteria: ICSL Variant Classification Criteria 13 December 2019. Collection method: clinical testing. Allele origin: germline.
Comment: This variant was observed in the ICSL laboratory as part of a predisposition screen in an ostensibly healthy population. It had not been previously curated by ICSL or reported in the Human Gene Mutation Database (HGMD: prior to June 1st, 2018), and was therefore a candidate for classification through an automated scoring system. Utilizing variant allele frequency, disease prevalence and penetrance estimates, and inheritance mode, an automated score was calculated to assess if this variant is too frequent to cause the disease. Based on the score and internal cut-off values, a variant classified as benign is not then subjected to further curation. The score for this variant resulted in a classification of benign for this disease.

Eurofins Ntd Llc (ga)
Classification: Benign. Last evaluated: 2015-06-24. Review status: criteria provided, single submitter. Criteria: EGL Classification Definitions 2015. Collection method: clinical testing. Allele origin: germline. Observed: 2 variant alleles, 2 heterozygotes.

GeneDx
Classification: Benign. Last evaluated: 2015-03-03. Review status: criteria provided, single submitter. Criteria: GeneDx Variant Classification Process June 2021. Collection method: clinical testing. Allele origin: germline. Affected: yes.

Breakthrough Genomics
Classification: Benign. Review status: criteria provided, single submitter. Criteria: ACMG Guidelines, 2015. Collection method: not provided. Allele origin: germline. Inheritance: Autosomal recessive inheritance. Affected: yes.

Mayo Clinic Laboratories, Mayo Clinic
Classification: Benign. Last evaluated: 2016-02-23. Review status: no assertion criteria provided. Collection method: clinical testing. Allele origin: unknown. Not counted in ClinVar's aggregate classification.

Genetic Services Laboratory, University of Chicago
Classification: Likely benign for AllHighlyPenetrant. Review status: no assertion criteria provided. Collection method: clinical testing. Allele origin: germline. Inheritance: Autosomal recessive inheritance. Not counted in ClinVar's aggregate classification.
Comment: Likely benign based on allele frequency in 1000 Genomes Project or ESP global frequency and its presence in a patient with a rare or unrelated disease phenotype. NOT Sanger confirmed.